The following is an entry in ClinVar:

ClinVar aggregate classification (germline): Uncertain significance (1 of 4 stars; one submission).

gnomAD v4.1: 4 of 1,614,092 alleles (0.00025%); highest among the groups gnomAD compares: Non-Finnish European, 0.00034%; no homozygotes.

Submission:

GeneDx
Classification: Uncertain significance. Last evaluated: 2024-12-19. Review status: criteria provided, single submitter. Criteria: GeneDx Variant Classification Process June 2021. Collection method: clinical testing. Allele origin: germline. Affected: yes.
Comment: Not observed at significant frequency in large population cohorts (gnomAD); In silico analysis supports that this missense variant has a deleterious effect on protein structure/function; Has not been previously published as pathogenic or benign to our knowledge

NM_006939.4(SOS2):c.1391G>T (p.Gly464Val)

Gene: SOS2 (SOS Ras/Rho guanine nucleotide exchange factor 2; minus strand). Cytogenetic location: 14q21.3.
Variant type: single nucleotide variant.
Coding change: c.1391G>T on transcript NM_006939.4 (MANE Select); coding-DNA position 1391, G replaced by T.
Protein change: p.Gly464Val; replaces glycine 464 with valine.
Molecular consequence: missense variant.
Genome position (GRCh38, 1-based): chr14:50,159,892, C>A on the plus strand (G>T on the coding strand, the complement: SOS2 is on the minus strand). VCF-style: chr14-50159892-C-A. GRCh37 (hg19) VCF-style: chr14-50626610-C-A.
Other names: c.1292G>T, p.Gly431Val (NM_001411020.1); short protein forms G431V, G464V.
Identifiers: ClinVar variation 3906465 (VCV003906465.1).